The following is an entry in ClinVar:

ClinVar aggregate classification (germline): Uncertain significance (1 of 4 stars; one submission).

Submission:

Women's Health and Genetics/Laboratory Corporation of America, LabCorp
Classification: Uncertain significance. Last evaluated: 2026-01-07. Review status: criteria provided, single submitter. Criteria: LabCorp Variant Classification Summary - May 2015. Collection method: clinical testing. Allele origin: germline.
Comment: Variant summary: BPTF c.46G>T (p.Ala16Ser) results in a conservative amino acid change in the encoded protein sequence. Algorithms developed to predict the effect of missense changes on protein structure and function all suggest that this variant is likely to be tolerated. The frequency data for this variant in gnomAD is considered unreliable, as metrics indicate poor data quality at this position. To our knowledge, no occurrence of c.46G>T in individuals affected with BPTF-related conditions and no experimental evidence demonstrating its impact on protein function have been reported. No submitters have cited clinical-significance assessments for this variant to ClinVar. Based on the evidence outlined above, the variant was classified as uncertain significance.

NM_182641.4(BPTF):c.46G>T (p.Ala16Ser)

Gene: BPTF (bromodomain PHD finger transcription factor; plus strand). Cytogenetic location: 17q24.2.
Variant type: single nucleotide variant.
Coding change: c.46G>T on transcript NM_182641.4 (MANE Select); coding-DNA position 46, G replaced by T.
Protein change: p.Ala16Ser; replaces alanine 16 with serine.
Molecular consequence: missense variant.
Genome position (GRCh38, 1-based): chr17:67,825,770, G>T. VCF-style: chr17-67825770-G-T. GRCh37 (hg19) VCF-style: chr17-65821886-G-T.
Other names: c.46G>T, p.Ala16Ser (NM_001439139.1, NM_001439140.1, NM_001439141.1 and 4 more transcripts); short protein forms A16S.
Identifiers: ClinVar variation 4689557 (VCV004689557.1).